The following is an entry in ClinVar:

NM_005476.7(GNE):c.983-273G>A

Gene: GNE (glucosamine (UDP-N-acetyl)-2-epimerase/N-acetylmannosamine kinase; minus strand). Cytogenetic location: 9p13.3.
Variant type: single nucleotide variant.
Coding change: c.983-273G>A on transcript NM_005476.7 (MANE Select); 273 bases into the intron before coding-DNA position 983, G replaced by A.
Molecular consequence: intron variant.
Genome position (GRCh38, 1-based): chr9:36,229,381, C>T on the plus strand (G>A on the coding strand, the complement: GNE is on the minus strand). VCF-style: chr9-36229381-C-T. GRCh37 (hg19) VCF-style: chr9-36229378-C-T.
Other names: c.806-273G>A (NM_001190388.2, NM_001374798.1); c.1076-273G>A (NM_001128227.3); c.653-273G>A (NM_001190384.3); c.830-273G>A (NM_001374797.1); c.983-273G>A (NM_001190383.3).
Identifiers: ClinVar variation 673607 (VCV000673607.1), dbSNP rs77468060, ClinGen allele CA192848907.

ClinVar aggregate classification (germline): Benign (1 of 4 stars; one submission).

Allele frequency attached by ClinVar (database versions not stated): gnomAD 0.04216 and 0.04525; 1000 Genomes Project 0.04473; TOPMed 0.04677; 1000 Genomes Project 30x 0.04841.
gnomAD v4.1: 6,346 of 152,158 alleles (4.2%); highest among the groups gnomAD compares: African/African-American, 14%; 440 homozygotes.

Submission:

GeneDx
Classification: Benign. Last evaluated: 2018-06-16. Review status: criteria provided, single submitter. Criteria: GeneDx Variant Classification (06012015). Collection method: clinical testing. Allele origin: germline. Affected: yes.
Comment: This variant is considered likely benign or benign based on one or more of the following criteria: it is a conservative change, it occurs at a poorly conserved position in the protein, it is predicted to be benign by multiple in silico algorithms, and/or has population frequency not consistent with disease.